The following is an entry in ClinVar:

NM_001104631.2(PDE4D):c.31C>T (p.Arg11Trp)

Gene: PDE4D (phosphodiesterase 4D; minus strand). Cytogenetic location: 5q12.1.
Variant type: single nucleotide variant.
Coding change: c.31C>T on transcript NM_001104631.2 (MANE Select); coding-DNA position 31, C replaced by T.
Protein change: p.Arg11Trp; replaces arginine 11 with tryptophan.
Molecular consequence: missense variant. On other transcripts: intron variant (5).
Genome position (GRCh38, 1-based): chr5:59,893,592, G>A on the plus strand (C>T on the coding strand, the complement: PDE4D is on the minus strand). VCF-style: chr5-59893592-G-A. GRCh37 (hg19) VCF-style: chr5-59189419-G-A.
Other names: c.272+94896C>T (NM_001364599.1, NM_001165899.2, NM_001364600.2); c.-240+94896C>T (NM_001349243.2); c.242+94896C>T (NM_001349241.2); short protein forms R11W.
Identifiers: ClinVar variation 2105084 (VCV002105084.4), dbSNP rs1212487777, ClinGen allele CA359933241.

ClinVar aggregate classification (germline): Uncertain significance (1 of 4 stars; one submission).

Allele frequency attached by ClinVar (database versions not stated): TOPMed below 0.00001.

Submission:

Labcorp Genetics (formerly Invitae), Labcorp
Classification: Uncertain significance. Last evaluated: 2025-09-15. Review status: criteria provided, single submitter. Criteria: Invitae Variant Classification Sherloc (09022015). Collection method: clinical testing. Allele origin: germline.
Comment: This sequence change replaces arginine, which is basic and polar, with tryptophan, which is neutral and slightly polar, at codon 11 of the PDE4D protein (p.Arg11Trp). This variant is not present in population databases (gnomAD no frequency). This variant has not been reported in the literature in individuals affected with PDE4D-related conditions. ClinVar contains an entry for this variant (Variation ID: 2105084). Experimental studies and prediction algorithms are not available or were not evaluated, and the functional significance of this variant is currently unknown. In summary, the available evidence is currently insufficient to determine the role of this variant in disease. Therefore, it has been classified as a Variant of Uncertain Significance.